The following is an entry in ClinVar:

NM_001128840.3(CACNA1D):c.5635G>A (p.Glu1879Lys)

Gene: CACNA1D (calcium voltage-gated channel subunit alpha1 D; plus strand). Cytogenetic location: 3p21.1.
Variant type: single nucleotide variant.
Coding change: c.5635G>A on transcript NM_001128840.3 (MANE Select); coding-DNA position 5635, G replaced by A.
Protein change: p.Glu1879Lys; replaces glutamic acid 1879 with lysine.
Molecular consequence: missense variant.
Genome position (GRCh38, 1-based): chr3:53,805,032, G>A. VCF-style: chr3-53805032-G-A. GRCh37 (hg19) VCF-style: chr3-53839059-G-A.
Other names: c.5695G>A, p.Glu1899Lys (NM_000720.4); c.5563G>A, p.Glu1855Lys (NM_001128839.3); short protein forms E1899K, E1855K, E1879K.
Identifiers: ClinVar variation 2001753 (VCV002001753.4), dbSNP rs2474507539, ClinGen allele CA353254573.

ClinVar aggregate classification (germline): Uncertain significance (1 of 4 stars; one submission).

Submission:

Labcorp Genetics (formerly Invitae), Labcorp
Classification: Uncertain significance. Last evaluated: 2022-06-01. Review status: criteria provided, single submitter. Criteria: Invitae Variant Classification Sherloc (09022015). Collection method: clinical testing. Allele origin: germline.
Comment: In summary, the available evidence is currently insufficient to determine the role of this variant in disease. Therefore, it has been classified as a Variant of Uncertain Significance. Algorithms developed to predict the effect of missense changes on protein structure and function are either unavailable or do not agree on the potential impact of this missense change (SIFT: "Deleterious"; PolyPhen-2: "Benign"; Align-GVGD: "Class C0"). This variant has not been reported in the literature in individuals affected with CACNA1D-related conditions. This variant is not present in population databases (gnomAD no frequency). This sequence change replaces glutamic acid, which is acidic and polar, with lysine, which is basic and polar, at codon 1899 of the CACNA1D protein (p.Glu1899Lys).